The following is an entry in ClinVar:

ClinVar aggregate classification (germline): Uncertain significance. Review status: criteria provided, multiple submitters, no conflicts (2 of 4 stars). 2 submissions from 2 submitters: Uncertain significance (2). Last evaluated 2024-01-12.

Submissions (2):

GeneDx
Classification: Uncertain significance. Last evaluated: 2024-01-12. Review status: criteria provided, single submitter. Criteria: GeneDx Variant Classification Process June 2021. Collection method: clinical testing. Allele origin: germline. Affected: yes.
Comment: Not observed at significant frequency in large population cohorts (gnomAD); In silico analysis supports that this missense variant has a deleterious effect on protein structure/function; Has not been previously published as pathogenic or benign to our knowledge

Blueprint Genetics
Classification: Uncertain significance. Last evaluated: 2023-06-02. Review status: criteria provided, single submitter. Criteria: ACMG Guidelines, 2015. Collection method: clinical testing. Allele origin: germline.

NM_001394062.1(MACF1):c.11834T>G (p.Leu3945Trp)

Gene: MACF1 (microtubule actin crosslinking factor 1; plus strand). Cytogenetic location: 1p34.3.
Variant type: single nucleotide variant.
Coding change: c.11834T>G on transcript NM_001394062.1 (MANE Select); coding-DNA position 11834, T replaced by G.
Protein change: p.Leu3945Trp; replaces leucine 3945 with tryptophan.
Molecular consequence: missense variant.
Genome position (GRCh38, 1-based): chr1:39,357,784, T>G. VCF-style: chr1-39357784-T-G. GRCh37 (hg19) VCF-style: chr1-39823456-T-G.
Other names: c.5648T>G, p.Leu1883Trp (NM_012090.5); short protein forms L1883W, L3945W.
Identifiers: ClinVar variation 3367539 (VCV003367539.2).